The following is an entry in ClinVar:

ClinVar aggregate classification (germline): Uncertain significance. Review status: criteria provided, multiple submitters, no conflicts (2 of 4 stars). 2 submissions from 2 submitters: Uncertain significance (2). Last evaluated 2024-01-14.

Conditions:
Tuberous sclerosis 2 (TSC2). Identifiers: Orphanet 805, MedGen C1860707, MONDO:0013199, OMIM 613254.
Hereditary cancer-predisposing syndrome. Also called: Hereditary neoplastic syndrome; Tumor predisposition; Neoplastic Syndromes, Hereditary; Hereditary Cancer Syndrome. Identifiers: Orphanet 140162, MedGen C0027672, MeSH D009386, MONDO:0015356.

Submissions (2):

Ambry Genetics
Classification: Uncertain significance for Hereditary cancer-predisposing syndrome. Last evaluated: 2024-01-14. Review status: criteria provided, single submitter. Criteria: Ambry Variant Classification Scheme 2023. Collection method: clinical testing. Allele origin: germline.
Comment: The p.K1632N variant (also known as c.4896G>T), located in coding exon 37 of the TSC2 gene, results from a G to T substitution at nucleotide position 4896. The lysine at codon 1632 is replaced by asparagine, an amino acid with similar properties. This amino acid position is conserved. In addition, the in silico prediction for this alteration is inconclusive. Since supporting evidence is limited at this time, the clinical significance of this alteration remains unclear.

Labcorp Genetics (formerly Invitae), Labcorp
Classification: Uncertain significance for Tuberous sclerosis 2. Last evaluated: 2022-08-19. Review status: criteria provided, single submitter. Criteria: Invitae Variant Classification Sherloc (09022015). Collection method: clinical testing. Allele origin: germline.
Comment: In summary, the available evidence is currently insufficient to determine the role of this variant in disease. Therefore, it has been classified as a Variant of Uncertain Significance. This sequence change replaces lysine, which is basic and polar, with asparagine, which is neutral and polar, at codon 1632 of the TSC2 protein (p.Lys1632Asn). This variant is not present in population databases (gnomAD no frequency). This variant has not been reported in the literature in individuals affected with TSC2-related conditions. Advanced modeling of protein sequence and biophysical properties (such as structural, functional, and spatial information, amino acid conservation, physicochemical variation, residue mobility, and thermodynamic stability) performed at Invitae indicates that this missense variant is not expected to disrupt TSC2 protein function.

NM_000548.5(TSC2):c.4896G>T (p.Lys1632Asn)

Gene: TSC2 (TSC complex subunit 2; plus strand). Cytogenetic location: 16p13.3.
Variant type: single nucleotide variant.
Coding change: c.4896G>T on transcript NM_000548.5 (MANE Select); coding-DNA position 4896, G replaced by T.
Protein change: p.Lys1632Asn; replaces lysine 1632 with asparagine.
Molecular consequence: missense variant.
Genome position (GRCh38, 1-based): chr16:2,086,778, G>T. VCF-style: chr16-2086778-G-T. GRCh37 (hg19) VCF-style: chr16-2136779-G-T.
Other names: c.4695G>T, p.Lys1565Asn (NM_001077183.3); c.4827G>T, p.Lys1609Asn (NM_001114382.3); c.4587G>T, p.Lys1529Asn (NM_001318827.2); c.4551G>T, p.Lys1517Asn (NM_001318829.2); c.4164G>T, p.Lys1388Asn (NM_001318831.2); c.4686G>T, p.Lys1562Asn (NM_001406671.1); c.4683G>T, p.Lys1561Asn (NM_001406673.1); c.4680G>T, p.Lys1560Asn (NM_001406675.1); and 26 more; short protein forms K1031N, K1117N, K1118N, K1140N, K1141N, K1161N, K1365N, K1366N.
Identifiers: ClinVar variation 1716844 (VCV001716844.6), dbSNP rs1555438475, ClinGen allele CA394308426.